The following is an entry in ClinVar:

ClinVar aggregate classification (germline): Uncertain significance (1 of 4 stars; one submission).

Conditions:
C3-related disorder. Also called: C3-related condition.

Allele frequency attached by ClinVar (database versions not stated): TOPMed below 0.00001; gnomAD 0.00001; gnomAD exomes 0.00001; ExAC 0.00002; ESP Exome Variant Server 0.00008.
gnomAD v4.1: 18 of 1,614,082 alleles (0.0011%); highest among the groups gnomAD compares: Admixed American, 0.0017%; no homozygotes.

Submission:

PreventionGenetics, part of Exact Sciences
Classification: Uncertain significance for C3-related condition. Last evaluated: 2023-08-21. Review status: criteria provided, single submitter. Criteria: ACMG Guidelines, 2015. Collection method: clinical testing. Allele origin: germline.
Comment: The C3 c.302G>A variant is predicted to result in the amino acid substitution p.Gly101Glu. To our knowledge, this variant has not been reported in the literature. This variant is reported in 0.0028% of alleles in individuals of Latino descent in gnomAD. At this time, the clinical significance of this variant is uncertain due to the absence of conclusive functional and genetic evidence.

NM_000064.4(C3):c.302G>A (p.Gly101Glu)

Gene: C3 (complement C3; minus strand). Cytogenetic location: 19p13.3.
Variant type: single nucleotide variant.
Coding change: c.302G>A on transcript NM_000064.4 (MANE Select); coding-DNA position 302, G replaced by A.
Protein change: p.Gly101Glu; replaces glycine 101 with glutamic acid.
Molecular consequence: missense variant.
Genome position (GRCh38, 1-based): chr19:6,718,378, C>T on the plus strand (G>A on the coding strand, the complement: C3 is on the minus strand). VCF-style: chr19-6718378-C-T. GRCh37 (hg19) VCF-style: chr19-6718389-C-T.
Other names: short protein forms G101E.
Identifiers: ClinVar variation 2634752 (VCV002634752.1), dbSNP rs373754302, ClinGen allele CA9129849.